The following is an entry in ClinVar:

NM_025114.4(CEP290):c.5788_5792del (p.Lys1930fs)

Gene: CEP290 (centrosomal protein 290; minus strand). Cytogenetic location: 12q21.32.
Variant type: Deletion.
Coding change: c.5788_5792del on transcript NM_025114.4 (MANE Select); coding-DNA positions 5788 to 5792, 5 bases deleted (AAAGA; older notation c.5788_5792delAAAGA).
Protein change: p.Lys1930fs; shifts the reading frame from lysine 1930.
Molecular consequence: frameshift variant.
Genome position (GRCh38, 1-based): chr12:88,071,844-88,071,848, TCTTT deleted on the plus strand (AAAGA on the coding strand, the reverse complement: CEP290 is on the minus strand); deleting any 5 consecutive bases within chr12:88,071,844-88,071,849 gives the same sequence; the c. name uses the placement nearest the transcript's 3' end. VCF-style (leftmost placement, unchanged base first): chr12-88071843-CTCTTT-C. GRCh37 (hg19) VCF-style: chr12-88465620-CTCTTT-C.
Other names: c.5788_5792del (NM_025114.3); short protein forms K1930fs.
Identifiers: ClinVar variation 1074543 (VCV001074543.10), dbSNP rs2035400071, ClinGen allele CA950218284.

ClinVar aggregate classification (germline): Pathogenic/Likely pathogenic. Review status: criteria provided, multiple submitters, no conflicts (2 of 4 stars). 4 submissions from 4 submitters: Pathogenic (3); Likely pathogenic (1). Last evaluated 2025-10-09.

Conditions:
Leber congenital amaurosis (LCA). Also called: Leber's amaurosis. Identifiers: Orphanet 65, MedGen C0339527, MeSH D057130, MONDO:0018998.
CEP290-related ciliopathy. Also called: CEP290 ciliopathy. Identifiers: MedGen CN305601, MONDO:0100451.
Meckel-Gruber syndrome. Also called: DYSENCEPHALIA SPLANCHNOCYSTICA; Dysencephalia splachnocystica; GRUBER SYNDROME. Identifiers: Orphanet 564, MedGen C0265215, MONDO:0018921.
Joubert syndrome. Also called: JOUBERT-BOLTSHAUSER SYNDROME; Familial aplasia of the vermis. Identifiers: Orphanet 475, MedGen C5979921, MONDO:0018772.
Nephronophthisis. Also called: Juvenile Nephronophthisis. Identifiers: Orphanet 655, MedGen C0687120, MONDO:0019005, HP:0000090.
Senior-Loken syndrome 6 (SLSN6). Identifiers: Orphanet 3156, MedGen C1857779, MONDO:0012433, OMIM 610189.
Leber congenital amaurosis 10 (LCA10). Identifiers: Orphanet 65, MedGen C1857821, MONDO:0012723, OMIM 611755.
Joubert syndrome 5 (JBTS5). Identifiers: Orphanet 2318, MedGen C1857780, MONDO:0012432, OMIM 610188.
Meckel syndrome, type 4 (MKS4). Also called: MECKEL-GRUBER SYNDROME, TYPE 4. Identifiers: Orphanet 564, MedGen C1970161, MONDO:0012626, OMIM 611134.
Bardet-Biedl syndrome 14 (BBS14). Identifiers: Orphanet 110, MedGen C2673874, MONDO:0014442, OMIM 615991.

Submissions (4):

Myriad Genetics, Inc.
Classification: Pathogenic for CEP290-related ciliopathy. Last evaluated: 2025-10-09. Review status: criteria provided, single submitter. Criteria: Myriad Autosomal Dominant, Autosomal Recessive and X-Linked Classification Criteria (2023). Collection method: clinical testing. Allele origin: unknown.
Comment: NM_025114.3(CEP290):c.5788_5792del5(K1930Efs*24) is expected to be pathogenic in the context of CEP290-related disorders. This variant is predicted to lead to an abnormal or absent protein product due to the creation of a premature termination codon in CEP290, a gene where loss-of-function variants are known to be pathogenic. Please note: this variant was assessed in the context of healthy population screening.

Natera, Inc.
Classification: Pathogenic for Leber congenital amaurosis. Last evaluated: 2025-07-06. Review status: criteria provided, single submitter. Criteria: Natera Variant Classification Schema (03/2026). Collection method: clinical testing. Allele origin: germline.
Comment: The c.5788_5792del variant in CEP290 is a frameshift variant predicted to shift the reading frame beginning at codon 1930 and leads to a stop codon 24 codons downstream. This variant is expected to result in nonsense mediated decay, truncation, or a dysfunctional protein product. This variant is rare in the general population with a frequency below the threshold expected for the associated phenotype(s). This variant has been observed in one or more individuals affected with the associated recessive disease, as either homozygous or compound heterozygous with a second variant (PMID: 38709228). Given the available evidence, this variant is classified as Pathogenic.

Fulgent Genetics
Classification: Likely pathogenic for Joubert syndrome 5; Senior-Loken syndrome 6; Meckel syndrome, type 4; Leber congenital amaurosis 10; Bardet-Biedl syndrome 14. Last evaluated: 2024-03-25. Review status: criteria provided, single submitter. Criteria: ACMG Guidelines, 2015. Collection method: clinical testing. Allele origin: germline.

Labcorp Genetics (formerly Invitae), Labcorp
Classification: Pathogenic for Joubert syndrome; Meckel-Gruber syndrome; Nephronophthisis. Last evaluated: 2022-01-16. Review status: criteria provided, single submitter. Criteria: Invitae Variant Classification Sherloc (09022015). Collection method: clinical testing. Allele origin: germline.
Comment: For these reasons, this variant has been classified as Pathogenic. ClinVar contains an entry for this variant (Variation ID: 1074543). This variant has not been reported in the literature in individuals affected with CEP290-related conditions. This variant is not present in population databases (gnomAD no frequency). This sequence change creates a premature translational stop signal (p.Lys1930Glufs*24) in the CEP290 gene. It is expected to result in an absent or disrupted protein product. Loss-of-function variants in CEP290 are known to be pathogenic (PMID: 16909394, 17345604, 20690115).

Literature cited by the submitters: PubMed 38709228 (cited by Natera, Inc.); PubMed 16909394 (cited by Labcorp Genetics (formerly Invitae), Labcorp); PubMed 17345604 (cited by Labcorp Genetics (formerly Invitae), Labcorp); PubMed 20690115 (cited by Labcorp Genetics (formerly Invitae), Labcorp).